The following is an entry in ClinVar:

ClinVar aggregate classification (germline): not provided (0 of 4 stars; one submission).

Conditions:
Preeclampsia. Identifiers: Orphanet 275555, MedGen C0032914, MONDO:0005081, HP:0100602.

Submission:

Institute of Molecular and Cell Biology, University of Tartu
No classification provided. Condition: Preeclampsia. Review status: no classification provided. Collection method: case-control. Allele origin: unknown. Affected: yes. Study: Kasak2014.
Comment: The study aimed to determine the contribution of copy number variants in the genetic etiology of normal and complicated pregnancies. The samples represented (i) maternal blood DNA drawn from healthy pregnant women during 1st or 2nd trimester and (ii) maternal and paternal blood DNA drawn at term pregnancy cases representing normal and complicated gestations (severe preeclampsia, PE; gestational diabetes, GD; small-for-gestational age newborn, SGA; large-for-gestational age newborn, LGA). We performed CNV calling based on genome-wide genotyping dataset (Illumina HumanOmniExpress-24-v1 BeadChip) by applying three algorithms, QuantiSNP, GADA (Genome Alteration Detection Algorithm) and CNstream in parallel. The acquired CNV calls were merged with HD-CNV (Hotspot Detector for Copy Number Variants) program and only the CNVs predicted by at least two programs, were considered in subsequent analysis.

Literature cited by the submitters: PubMed 25666259.

Single allele

Gene: LOC129389846 (MPRA-validated peak6689 silencer; plus strand). Cytogenetic location: 7q31.1.
Variant type: Deletion.
Identifiers: ClinVar variation 157070 (VCV000157070.2).